The following is an entry in ClinVar:

ClinVar aggregate classification (germline): Conflicting classifications of pathogenicity. Review status: criteria provided, conflicting classifications (1 of 4 stars). 5 submissions from 4 submitters: Uncertain significance (4); Benign (1). Last evaluated 2024-04-29.

Conditions:
Adams-Oliver syndrome 5 (AOS5). Identifiers: Orphanet 974, MedGen C4014970, MONDO:0014459, OMIM 616028.
Familial thoracic aortic aneurysm and aortic dissection (TAAD). Also called: Thoracic aortic aneurysms and dissections. Identifiers: Orphanet 91387, MedGen C4707243, MONDO:0019625.
Aortic valve disease 1 (AOVD1). Identifiers: MedGen C3887892, MONDO:0024523, OMIM 109730.

Allele frequency attached by ClinVar (database versions not stated): gnomAD 0.00001; gnomAD exomes 0.00001 and 0.00002; TOPMed 0.00002; ExAC 0.00004; 1000 Genomes Project 30x 0.00016; 1000 Genomes Project 0.00020.
gnomAD v4.1: 13 of 1,613,006 alleles (0.00081%); highest among the groups gnomAD compares: East Asian, 0.0022%; no homozygotes.

Submissions (5):

Labcorp Genetics (formerly Invitae), Labcorp
Classification: Benign for Adams-Oliver syndrome 5. Last evaluated: 2024-04-29. Review status: criteria provided, single submitter. Criteria: Invitae Variant Classification Sherloc (09022015). Collection method: clinical testing. Allele origin: germline.

Ambry Genetics
Classification: Uncertain significance for Familial thoracic aortic aneurysm and aortic dissection. Last evaluated: 2024-03-29. Review status: criteria provided, single submitter. Criteria: Ambry Variant Classification Scheme 2023. Collection method: clinical testing. Allele origin: germline.
Comment: The p.S1690L variant (also known as c.5069C>T), located in coding exon 27 of the NOTCH1 gene, results from a C to T substitution at nucleotide position 5069. The serine at codon 1690 is replaced by leucine, an amino acid with dissimilar properties. This amino acid position is conserved. In addition, this alteration is predicted to be tolerated by in silico analysis. Based on the available evidence, the clinical significance of this alteration remains unclear.

GeneDx
Classification: Uncertain significance. Last evaluated: 2022-11-30. Review status: criteria provided, single submitter. Criteria: GeneDx Variant Classification Process June 2021. Collection method: clinical testing. Allele origin: germline. Affected: yes.
Comment: Has not been previously published as pathogenic or benign to our knowledge; In silico analysis supports that this missense variant has a deleterious effect on protein structure/function; This variant is associated with the following publications: (PMID: 25793878)

Genome-Nilou Lab
Classification: Uncertain significance for Adams-Oliver syndrome 5. Last evaluated: 2022-03-15. Review status: criteria provided, single submitter. Criteria: ACMG Guidelines, 2015. Collection method: clinical testing. Allele origin: germline. Affected: no.

Genome-Nilou Lab
Classification: Uncertain significance for Aortic valve disease 1. Last evaluated: 2022-03-15. Review status: criteria provided, single submitter. Criteria: ACMG Guidelines, 2015. Collection method: clinical testing. Allele origin: germline. Affected: no.

NM_017617.5(NOTCH1):c.5069C>T (p.Ser1690Leu)

Gene: NOTCH1 (notch receptor 1; minus strand). Cytogenetic location: 9q34.3.
Variant type: single nucleotide variant.
Coding change: c.5069C>T on transcript NM_017617.5 (MANE Select); coding-DNA position 5069, C replaced by T.
Protein change: p.Ser1690Leu; replaces serine 1690 with leucine.
Molecular consequence: missense variant.
Genome position (GRCh38, 1-based): chr9:136,503,280, G>A on the plus strand (C>T on the coding strand, the complement: NOTCH1 is on the minus strand). VCF-style: chr9-136503280-G-A. GRCh37 (hg19) VCF-style: chr9-139397732-G-A.
Other names: c.5069C>T, p.Ser1690Leu (LRG_1122t1); short protein forms S1690L.
Identifiers: ClinVar variation 409082 (VCV000409082.16), dbSNP rs552065719, ClinGen allele CA5340449.